The following is an entry in ClinVar:

ClinVar aggregate classification (germline): Conflicting classifications of pathogenicity. Review status: criteria provided, conflicting classifications (1 of 4 stars). 3 submissions from 3 submitters: Pathogenic (1); Uncertain significance (1). 1 of the submissions does not count toward it. Last evaluated 2026-07-07.

Conditions:
Hyperlipoproteinemia, type 1D. Also called: Hyperlipoproteinemia, type ID. Identifiers: Orphanet 444490, Orphanet 535458, MedGen C4014767, MONDO:0014412, OMIM 615947.
Hyperlipoproteinemia, type I. Also called: HYPERLIPOPROTEINEMIA, TYPE IA; Lipase D deficiency; Familial Lipoprotein Lipase Deficiency; Familial hyperlipo-proteinemia type 1; Hyperlipemia essential familial; Hyperlipoproteinemia type 1. Identifiers: Orphanet 309015, Orphanet 444490, MedGen C0023817, MONDO:0009387, OMIM 238600. Disease mechanism: loss of function.

Allele frequency attached by ClinVar (database versions not stated): gnomAD exomes 0.00001 and below 0.00001.

Submissions (3):

Medgenome Labs Ltd
Classification: Uncertain significance for Hyperlipoproteinemia, type 1D. Last evaluated: 2026-07-07. Review status: criteria provided, single submitter. Criteria: ACMG Guidelines, 2015. Collection method: clinical testing. Allele origin: germline. Affected: yes.

Neuberg Centre For Genomic Medicine, NCGM
Classification: Pathogenic for Hyperlipoproteinemia, type I. Review status: criteria provided, single submitter. Criteria: ACMG Guidelines, 2015. Collection method: clinical testing. Allele origin: germline. Inheritance: Autosomal recessive inheritance. Affected: yes.
Comment: The missense c.194G>A (p.Cys65Tyr) variant in the GPIHBP1 gene has been reported previously in homozygous state in patients affected with severe chylomicronemia. Studies with transfected Chinese hamster ovary cells showed that GPIHBP1- p.Cys65Tyr reaches the cell surface but has lost the ability to bind lipoprotein lipase (LPL) (Franssen, Remco et al., 2010). The variant is located in a mutational hot spot. A different missense change p.Cys65Ser has been reported as pathogenic (Holmes RS, Cox LA., 2012). This variant is reported with the allele frequency (0.001%) in the gnomAD Exomes. It is submitted to ClinVar as Pathogenic. The amino acid Cysteine at position 65 is changed to a Tyrosine changing protein sequence and it might alter its composition and physico-chemical properties. The variant is predicted as damaging by SIFT. The amino acid change p.Cys65Tyr in GPIHBP1 is predicted as conserved by GERP++ and PhyloP across 100 vertebrates. For these reasons, this variant has been classified as Pathogenic.

OMIM
Classification: Pathogenic for HYPERLIPOPROTEINEMIA, TYPE ID. Last evaluated: 2012-08-01. Review status: no assertion criteria provided. Collection method: literature only. Allele origin: germline. Not counted in ClinVar's aggregate classification.

Literature cited by the submitters: PubMed 20124439 (cited by OMIM); PubMed 22239554 (cited by OMIM); Hamosh, A. Personal Communication. 2014. Baltimore, Md. (cited by OMIM).

NM_178172.6(GPIHBP1):c.194G>A (p.Cys65Tyr)

Gene: GPIHBP1 (glycosylphosphatidylinositol anchored high density lipoprotein binding protein 1; plus strand). Cytogenetic location: 8q24.3.
Variant type: single nucleotide variant.
Coding change: c.194G>A on transcript NM_178172.6 (MANE Select); coding-DNA position 194, G replaced by A.
Protein change: p.Cys65Tyr; replaces cysteine 65 with tyrosine.
Molecular consequence: missense variant.
Genome position (GRCh38, 1-based): chr8:143,215,025, G>A. VCF-style: chr8-143215025-G-A. GRCh37 (hg19) VCF-style: chr8-144296900-G-A.
Other names: c.194G>A, p.Cys65Tyr (NM_001301772.2); short protein forms C65Y.
Identifiers: ClinVar variation 144020 (VCV000144020.4), dbSNP rs587777638, ClinGen allele CA215035.